The following is an entry in ClinVar:

ClinVar aggregate classification (germline): Uncertain significance (1 of 4 stars; one submission).

Submission:

GeneDx
Classification: Uncertain significance. Last evaluated: 2023-08-09. Review status: criteria provided, single submitter. Criteria: GeneDx Variant Classification Process June 2021. Collection method: clinical testing. Allele origin: germline. Affected: yes.
Comment: Not observed at significant frequency in large population cohorts (gnomAD); In silico analysis supports that this missense variant does not alter protein structure/function; Has not been previously published as pathogenic or benign to our knowledge

NM_019066.5(MAGEL2):c.1924T>G (p.Leu642Val)

Gene: MAGEL2 (MAGE family member L2; minus strand). Cytogenetic location: 15q11.2.
Variant type: single nucleotide variant.
Coding change: c.1924T>G on transcript NM_019066.5 (MANE Select); coding-DNA position 1924, T replaced by G.
Protein change: p.Leu642Val; replaces leucine 642 with valine.
Molecular consequence: missense variant.
Genome position (GRCh38, 1-based): chr15:23,645,819, A>C on the plus strand (T>G on the coding strand, the complement: MAGEL2 is on the minus strand). VCF-style: chr15-23645819-A-C. GRCh37 (hg19) VCF-style: chr15-23890966-A-C.
Other names: short protein forms L642V.
Identifiers: ClinVar variation 3361885 (VCV003361885.1).